The following is an entry in ClinVar:

NM_000093.5(COL5A1):c.1372C>T (p.Pro458Ser)

Gene: COL5A1 (collagen type V alpha 1 chain; plus strand). Cytogenetic location: 9q34.3.
Variant type: single nucleotide variant.
Coding change: c.1372C>T on transcript NM_000093.5 (MANE Select); coding-DNA position 1372, C replaced by T.
Protein change: p.Pro458Ser; replaces proline 458 with serine.
Molecular consequence: missense variant.
Genome position (GRCh38, 1-based): chr9:134,732,110, C>T. VCF-style: chr9-134732110-C-T. GRCh37 (hg19) VCF-style: chr9-137623956-C-T.
Other names: c.1372C>T, p.Pro458Ser (NM_001278074.1); c.1372C>T (NM_000093.3); short protein forms P458S.
Identifiers: ClinVar variation 1078871 (VCV001078871.13), dbSNP rs537950589, ClinGen allele CA5318741.

ClinVar aggregate classification (germline): Conflicting classifications of pathogenicity. Review status: criteria provided, conflicting classifications (1 of 4 stars). 3 submissions from 3 submitters: Uncertain significance (1); Likely benign (2). Last evaluated 2026-05-28.

Conditions:
Ehlers-Danlos syndrome, classic type, 1 (EDSCL1). Also called: EHLERS-DANLOS SYNDROME, GRAVIS TYPE; EHLERS-DANLOS SYNDROME, SEVERE CLASSIC TYPE; Ehlers-Danlos syndrome, type 1; Ehlers-Danlos Syndrome, Classic Type, COL5A1-Related; EDS I. Identifiers: MedGen C0268335, MONDO:0019567, OMIM 130000.

Allele frequency attached by ClinVar (database versions not stated): TOPMed 0.00006; gnomAD 0.00005 and 0.00004; 1000 Genomes Project 30x 0.00016; 1000 Genomes Project 0.00020.
gnomAD v4.1: 38 of 1,614,250 alleles (0.0024%); highest among the groups gnomAD compares: East Asian, 0.071%; no homozygotes.

Submissions (3):

GeneDx
Classification: Uncertain significance. Last evaluated: 2026-05-28. Review status: criteria provided, single submitter. Criteria: GeneDx Variant Classification Process June 2021. Collection method: clinical testing. Allele origin: germline.
Comment: Reported in association with sporadic keratoconus and aortic dissection (PMID: 32246022, 34041919); In silico analysis supports that this missense variant has a deleterious effect on protein structure/function; Not located in the triple helical region, where the majority of pathogenic missense variants occur (PMID: 22696272; HGMD); This variant is associated with the following publications: (PMID: 34041919, 32508047, 32246022, 22696272, 36043395, 38908538, 41153364)

Labcorp Genetics (formerly Invitae), Labcorp
Classification: Likely benign for Ehlers-Danlos syndrome, classic type, 1. Last evaluated: 2025-11-17. Review status: criteria provided, single submitter. Criteria: Invitae Variant Classification Sherloc (09022015). Collection method: clinical testing. Allele origin: germline.

Women's Health and Genetics/Laboratory Corporation of America, LabCorp
Classification: Likely benign. Last evaluated: 2025-03-18. Review status: criteria provided, single submitter. Criteria: LabCorp Variant Classification Summary - May 2015. Collection method: clinical testing. Allele origin: germline.